The following is an entry in ClinVar:

ClinVar aggregate classification (germline): Conflicting classifications of pathogenicity. Review status: criteria provided, conflicting classifications (1 of 4 stars). 2 submissions from 2 submitters: Likely pathogenic (1); Uncertain significance (1). Last evaluated 2026-06-30.

Conditions:
Recessive dystrophic epidermolysis bullosa (RDEB). Also called: epidermolysis bullosa dystrophica, autosomal recessive; EPIDERMOLYSIS BULLOSA DYSTROPHICA, HALLOPEAU-SIEMENS TYPE; DYSTROPHIC EPIDERMOLYSIS BULLOSA, AUTOSOMAL RECESSIVE; Hallopeau-Siemens Disease; severe generalized recessive dystrophic epidermolysis bullosa; EPIDERMOLYSIS BULLOSA DYSTROPHICA, GENERALIZED SEVERE, AUTOSOMAL RECESSIVE. Identifiers: Orphanet 79408, Orphanet 79409, MedGen C0079474, MONDO:0009179, OMIM 226600.

gnomAD v4.1: 1 of 1,614,044 alleles (0.000062%); highest among the groups gnomAD compares: Non-Finnish European, 0.000085%; no homozygotes.

Submissions (2):

Myriad Genetics, Inc.
Classification: Uncertain significance for Recessive dystrophic epidermolysis bullosa. Last evaluated: 2026-06-30. Review status: criteria provided, single submitter. Criteria: Myriad Autosomal Dominant, Autosomal Recessive and X-Linked Classification Criteria (2023). Collection method: clinical testing. Allele origin: unknown.
Comment: NM_000094.3(COL7A1):c.1907-2A>G is a variant in a canonical splice site classified as a variant of uncertain significance in the context of dystrophic epidermolysis bullosa. c.1907-2A>G has not been observed in cases with relevant disease. Relevant functional assessments of this variant are not available in the literature. c.1907-2A>G has not been observed in referenced population frequency databases. In summary, there is insufficient evidence to classify NM_000094.3(COL7A1):c.1907-2A>G as pathogenic or benign. Please note: this variant was assessed in the context of healthy population screening.

Labcorp Genetics (formerly Invitae), Labcorp
Classification: Likely pathogenic. Last evaluated: 2023-05-17. Review status: criteria provided, single submitter. Criteria: Invitae Variant Classification Sherloc (09022015). Collection method: clinical testing. Allele origin: germline.
Comment: In summary, the currently available evidence indicates that the variant is pathogenic, but additional data are needed to prove that conclusively. Therefore, this variant has been classified as Likely Pathogenic. Algorithms developed to predict the effect of sequence changes on RNA splicing suggest that this variant may disrupt the consensus splice site. This variant has not been reported in the literature in individuals affected with COL7A1-related conditions. This variant is not present in population databases (gnomAD no frequency). This sequence change affects an acceptor splice site in intron 14 of the COL7A1 gene. It is expected to disrupt RNA splicing. Variants that disrupt the donor or acceptor splice site typically lead to a loss of protein function (PMID: 16199547), and loss-of-function variants in COL7A1 are known to be pathogenic (PMID: 16971478).

Literature cited by the submitters: PubMed 16199547 (cited by Labcorp Genetics (formerly Invitae), Labcorp); PubMed 16971478 (cited by Labcorp Genetics (formerly Invitae), Labcorp).

NM_000094.4(COL7A1):c.1907-2A>G

Gene: COL7A1 (collagen type VII alpha 1 chain; minus strand). Cytogenetic location: 3p21.31.
Variant type: single nucleotide variant.
Coding change: c.1907-2A>G on transcript NM_000094.4 (MANE Select); the canonical splice acceptor site of the intron before coding-DNA position 1907, A replaced by G.
Molecular consequence: splice acceptor variant.
Genome position (GRCh38, 1-based): chr3:48,590,358, T>C on the plus strand (A>G on the coding strand, the complement: COL7A1 is on the minus strand). VCF-style: chr3-48590358-T-C. GRCh37 (hg19) VCF-style: chr3-48627791-T-C.
Identifiers: ClinVar variation 2865263 (VCV002865263.4), dbSNP rs2531292522, ClinGen allele CA352727490.